The following is an entry in ClinVar:

ClinVar aggregate classification (germline): Benign/Likely benign. Review status: criteria provided, multiple submitters, no conflicts (2 of 4 stars). 6 submissions from 6 submitters: Benign (2); Likely benign (4). Last evaluated 2025-06-01.

Conditions:
Inborn genetic diseases. Identifiers: MedGen C0950123, MeSH D030342.
KBG syndrome (KBGS). Also called: ANKRD11-Related KBG Syndrome. Identifiers: Orphanet 2332, MedGen C0220687, MONDO:0007846, OMIM 148050.

Allele frequency attached by ClinVar (database versions not stated): TOPMed 0.00007; gnomAD 0.00008 and 0.00009; ExAC 0.00014; gnomAD exomes 0.00014; ESP Exome Variant Server 0.00015; 1000 Genomes Project 30x 0.00016.
gnomAD v4.1: 189 of 1,614,124 alleles (0.012%); highest among the groups gnomAD compares: South Asian, 0.087%; 1 homozygote.

Submissions (6):

CeGaT Center for Human Genetics Tuebingen
Classification: Likely benign. Last evaluated: 2025-06-01. Review status: criteria provided, single submitter. Criteria: CeGaT Center For Human Genetics Tuebingen Variant Classification Criteria Version 2. Collection method: clinical testing. Allele origin: germline. Affected: yes. Observed: 1 variant allele.
Comment: ANKRD11: BP4, BP7

Labcorp Genetics (formerly Invitae), Labcorp
Classification: Benign for KBG syndrome. Last evaluated: 2024-05-13. Review status: criteria provided, single submitter. Criteria: Invitae Variant Classification Sherloc (09022015). Collection method: clinical testing. Allele origin: germline.

Blueprint Genetics
Classification: Likely benign. Last evaluated: 2024-02-09. Review status: criteria provided, single submitter. Criteria: ACMG Guidelines, 2015. Collection method: clinical testing. Allele origin: germline.

Genome-Nilou Lab
Classification: Benign for KBG syndrome. Last evaluated: 2021-12-05. Review status: criteria provided, single submitter. Criteria: ACMG Guidelines, 2015. Collection method: clinical testing. Allele origin: germline. Affected: no.

GeneDx
Classification: Likely benign. Last evaluated: 2021-10-08. Review status: criteria provided, single submitter. Criteria: GeneDx Variant Classification Process June 2021. Collection method: clinical testing. Allele origin: germline. Affected: yes.

Ambry Genetics
Classification: Likely benign for Inborn genetic diseases. Last evaluated: 2017-02-01. Review status: criteria provided, single submitter. Criteria: Ambry Variant Classification Scheme 2023. Collection method: clinical testing. Allele origin: germline.

NM_013275.6(ANKRD11):c.2610C>T (p.Ser870=)

Gene: ANKRD11 (ankyrin repeat domain 11; minus strand). Cytogenetic location: 16q24.3.
Variant type: single nucleotide variant.
Coding change: c.2610C>T on transcript NM_013275.6 (MANE Select); coding-DNA position 2610, C replaced by T.
Protein change: p.Ser870=; no amino-acid change (serine 870 retained).
Molecular consequence: synonymous variant.
Genome position (GRCh38, 1-based): chr16:89,283,932, G>A on the plus strand (C>T on the coding strand, the complement: ANKRD11 is on the minus strand). VCF-style: chr16-89283932-G-A. GRCh37 (hg19) VCF-style: chr16-89350340-G-A.
Other names: c.2610C>T, p.Ser870= (NM_001256182.2, NM_001256183.2).
Identifiers: ClinVar variation 589530 (VCV000589530.27), dbSNP rs142560514, ClinGen allele CA8242552.